The following is an entry in ClinVar:

ClinVar aggregate classification (germline): Benign (1 of 4 stars; one submission).

Conditions:
Parkinson disease 13, autosomal dominant, susceptibility to. Identifiers: Orphanet 2828, MedGen C1853202, MONDO:0012466, OMIM 610297.

Allele frequency attached by ClinVar (database versions not stated): 1000 Genomes Project 0.00300; gnomAD 0.00039 and 0.00048; gnomAD exomes 0.00074; TOPMed 0.00068; 1000 Genomes Project 30x 0.00297.
gnomAD v4.1: 403 of 606,546 alleles (0.066%); highest among the groups gnomAD compares: East Asian, 0.99%; 3 homozygotes.

Submission:

Illumina Laboratory Services, Illumina
Classification: Benign for Parkinson disease 13, autosomal dominant, susceptibility to. Last evaluated: 2018-01-13. Review status: criteria provided, single submitter. Criteria: ICSL Variant Classification Criteria 13 December 2019. Collection method: clinical testing. Allele origin: germline.
Comment: This variant was observed in the ICSL laboratory as part of a predisposition screen in an ostensibly healthy population. It had not been previously curated by ICSL or reported in the Human Gene Mutation Database (HGMD: prior to June 1st, 2018), and was therefore a candidate for classification through an automated scoring system. Utilizing variant allele frequency, disease prevalence and penetrance estimates, and inheritance mode, an automated score was calculated to assess if this variant is too frequent to cause the disease. Based on the score and internal cut-off values, a variant classified as benign is not then subjected to further curation. The score for this variant resulted in a classification of benign for this disease.

NM_013247.4(HTRA2):c.*443T>A

Genes: HTRA2 (HtrA serine peptidase 2; plus strand), LOXL3 (lysyl oxidase like 3; minus strand). Cytogenetic location: 2p13.1.
Variant type: single nucleotide variant.
Coding change: c.*443T>A on transcript NM_013247.4; 443 bases downstream of the stop codon, T replaced by A.
Molecular consequence: 3 prime UTR variant (on NM_032603.5). On other transcripts: non-coding transcript variant (4).
Genome position (GRCh38, 1-based): chr2:74,533,428, T>A. VCF-style: chr2-74533428-T-A. GRCh37 (hg19) VCF-style: chr2-74760555-T-A.
Other names: c.*443T>A (NM_001321727.1, NM_001321728.1, NM_145074.2); c.*178A>T (NM_001289164.3, NM_001289165.2, NM_032603.5).
Identifiers: ClinVar variation 337143 (VCV000337143.7), dbSNP rs71640296, ClinGen allele CA10616099.